The following is an entry in ClinVar:

NM_000503.6(EYA1):c.701C>T (p.Pro234Leu)

Gene: EYA1 (EYA transcriptional coactivator and phosphatase 1; minus strand). Cytogenetic location: 8q13.3.
Variant type: single nucleotide variant.
Coding change: c.701C>T on transcript NM_000503.6 (MANE Select); coding-DNA position 701, C replaced by T.
Protein change: p.Pro234Leu; replaces proline 234 with leucine.
Molecular consequence: missense variant.
Genome position (GRCh38, 1-based): chr8:71,299,172, G>A on the plus strand (C>T on the coding strand, the complement: EYA1 is on the minus strand). VCF-style: chr8-71299172-G-A. GRCh37 (hg19) VCF-style: chr8-72211407-G-A.
Other names: c.683C>T, p.Pro228Leu (NM_001288574.2); c.335C>T, p.Pro112Leu (NM_001288575.2); c.788C>T, p.Pro263Leu (NM_001370333.1); c.701C>T, p.Pro234Leu (NM_001370334.1, NM_001370335.1, NM_172058.4); c.770C>T, p.Pro257Leu (NM_001370336.1); c.773C>T, p.Pro258Leu (NM_172059.5); c.701C>T (NM_172058.3); short protein forms P112L, P228L, P234L, P257L, P258L, P263L.
Identifiers: ClinVar variation 1699694 (VCV001699694.4), dbSNP rs761632944, ClinGen allele CA4779685.

ClinVar aggregate classification (germline): Uncertain significance. Review status: criteria provided, multiple submitters, no conflicts (2 of 4 stars). 3 submissions from 3 submitters: Uncertain significance (3). Last evaluated 2025-10-08.

Conditions:
EYA1-related disorder. Also called: EYA1-related condition.
Melnick-Fraser syndrome (BOR). Also called: Branchiootorenal syndrome; Branchio-oto-renal syndrome; Branchiootorenal Syndrome (BORS). Identifiers: Orphanet 107, MedGen C0265234, MONDO:0007029.

Allele frequency attached by ClinVar (database versions not stated): gnomAD exomes below 0.00001 and 0.00001; ExAC 0.00001; gnomAD 0.00001 and 0.00002; TOPMed 0.00001.
gnomAD v4.1: 9 of 1,613,986 alleles (0.00056%); highest among the groups gnomAD compares: African/African-American, 0.0027%; no homozygotes.

Submissions (3):

Labcorp Genetics (formerly Invitae), Labcorp
Classification: Uncertain significance for Melnick-Fraser syndrome. Last evaluated: 2025-10-08. Review status: criteria provided, single submitter. Criteria: Invitae Variant Classification Sherloc (09022015). Collection method: clinical testing. Allele origin: germline.
Comment: This sequence change replaces proline, which is neutral and non-polar, with leucine, which is neutral and non-polar, at codon 234 of the EYA1 protein (p.Pro234Leu). This variant is present in population databases (rs761632944, gnomAD 0.002%). This variant has not been reported in the literature in individuals affected with EYA1-related conditions. ClinVar contains an entry for this variant (Variation ID: 1699694). Invitae Evidence Modeling of protein sequence and biophysical properties (such as structural, functional, and spatial information, amino acid conservation, physicochemical variation, residue mobility, and thermodynamic stability) indicates that this missense variant is not expected to disrupt EYA1 protein function with a negative predictive value of 95%. In summary, the available evidence is currently insufficient to determine the role of this variant in disease. Therefore, it has been classified as a Variant of Uncertain Significance.

PreventionGenetics, part of Exact Sciences
Classification: Uncertain significance for EYA1-related condition. Last evaluated: 2022-12-12. Review status: criteria provided, single submitter. Criteria: ACMG Guidelines, 2015. Collection method: clinical testing. Allele origin: germline.
Comment: The EYA1 c.701C>T variant is predicted to result in the amino acid substitution p.Pro234Leu. This variant was reported in an individual with congenital diaphragmatic hernia (described as p.Pro201Leu, Table S7, Kammoun et al. 2018. PubMed ID: 29966037). This variant is reported in 0.0018% of alleles in individuals of European (Non-Finnish) descent in gnomAD. At this time, the clinical significance of this variant is uncertain due to the absence of conclusive functional and genetic evidence.

GeneDx
Classification: Uncertain significance. Last evaluated: 2022-01-28. Review status: criteria provided, single submitter. Criteria: GeneDx Variant Classification Process June 2021. Collection method: clinical testing. Allele origin: germline. Affected: yes.
Comment: Identified in a fetus with congenital diaphragmatic hernia in published literature (Kammoun et al., 2018); however, clinical and molecular information are limited; In silico analysis supports that this missense variant does not alter protein structure/function; This variant is associated with the following publications: (PMID: 29966037)